The following is an entry in ClinVar:

NM_003737.4(DCHS1):c.3602T>C (p.Val1201Ala)

Gene: DCHS1 (dachsous cadherin-related 1; minus strand). Cytogenetic location: 11p15.4.
Variant type: single nucleotide variant.
Coding change: c.3602T>C on transcript NM_003737.4 (MANE Select); coding-DNA position 3602, T replaced by C.
Protein change: p.Val1201Ala; replaces valine 1201 with alanine.
Molecular consequence: missense variant.
Genome position (GRCh38, 1-based): chr11:6,631,689, A>G on the plus strand (T>C on the coding strand, the complement: DCHS1 is on the minus strand). VCF-style: chr11-6631689-A-G. GRCh37 (hg19) VCF-style: chr11-6652920-A-G.
Other names: c.3602T>C (NM_003737.3); short protein forms V1201A.
Identifiers: ClinVar variation 2459612 (VCV002459612.6), dbSNP rs778637968, ClinGen allele CA5860486.
Genomic context (GRCh38, chr11:6,631,689, plus strand): 5'-CCCCCACCAGCAGCTCCTGAAGCCTGCAGGAACGTGGGGCTGTTGTCGTTGAGGTCAAGC[A>G]CTGCAACATGCACAGTGCCTGTGGTGCTGCGGGGTGGGCTCCCTCCATCCTGCACCTGCA-3'
Protein context (NP_003728.1, residues 1191-1211): RSTTGTVHVA[Val1201Ala]LDLNDNSPTF

ClinVar aggregate classification (germline): Uncertain significance. Review status: criteria provided, multiple submitters, no conflicts (2 of 4 stars). 3 submissions from 3 submitters: Uncertain significance (3). Last evaluated 2025-07-07.

Conditions:
Inborn genetic diseases. Identifiers: MedGen C0950123, MeSH D030342.

Allele frequency attached by ClinVar (database versions not stated): gnomAD exomes 0.00001; gnomAD 0.00003; TOPMed 0.00001.
gnomAD v4.1: 24 of 1,610,258 alleles (0.0015%); highest among the groups gnomAD compares: Non-Finnish European, 0.002%; no homozygotes.

Submissions (3):

Labcorp Genetics (formerly Invitae), Labcorp
Classification: Uncertain significance. Last evaluated: 2025-07-07. Review status: criteria provided, single submitter. Criteria: Invitae Variant Classification Sherloc (09022015). Collection method: clinical testing. Allele origin: germline.
Comment: This sequence change replaces valine, which is neutral and non-polar, with alanine, which is neutral and non-polar, at codon 1201 of the DCHS1 protein (p.Val1201Ala). This variant is present in population databases (rs778637968, gnomAD 0.002%). This variant has not been reported in the literature in individuals affected with DCHS1-related conditions. ClinVar contains an entry for this variant (Variation ID: 2459612). Invitae Evidence Modeling of protein sequence and biophysical properties (such as structural, functional, and spatial information, amino acid conservation, physicochemical variation, residue mobility, and thermodynamic stability) indicates that this missense variant is expected to disrupt DCHS1 protein function with a positive predictive value of 80%. In summary, the available evidence is currently insufficient to determine the role of this variant in disease. Therefore, it has been classified as a Variant of Uncertain Significance.

GeneDx
Classification: Uncertain significance. Last evaluated: 2023-10-06. Review status: criteria provided, single submitter. Criteria: GeneDx Variant Classification Process June 2021. Collection method: clinical testing. Allele origin: germline. Affected: yes.
Comment: Not observed at significant frequency in large population cohorts (gnomAD); In silico analysis supports that this missense variant has a deleterious effect on protein structure/function; Has not been previously published as pathogenic or benign to our knowledge

Ambry Genetics
Classification: Uncertain significance for Inborn genetic diseases. Last evaluated: 2023-01-20. Review status: criteria provided, single submitter. Criteria: Ambry Variant Classification Scheme 2023. Collection method: clinical testing. Allele origin: germline.